The following is an entry in ClinVar:

ClinVar aggregate classification (germline): Likely benign (1 of 4 stars; one submission).

gnomAD v4.1: 22 of 1,613,980 alleles (0.0014%); highest among the groups gnomAD compares: Admixed American, 0.037%; no homozygotes.

Submission:

CeGaT Center for Human Genetics Tuebingen
Classification: Likely benign. Last evaluated: 2025-12-01. Review status: criteria provided, single submitter. Criteria: CeGaT Center For Human Genetics Tuebingen Variant Classification Criteria Version 2. Collection method: clinical testing. Allele origin: germline. Affected: yes. Observed: 1 variant allele.
Comment: ATP6V0A1: PP3, BS1

NM_001130021.3(ATP6V0A1):c.893G>T (p.Arg298Leu)

Gene: ATP6V0A1 (ATPase H+ transporting V0 subunit a1; plus strand). Cytogenetic location: 17q21.2.
Variant type: single nucleotide variant.
Coding change: c.893G>T on transcript NM_001130021.3 (MANE Select); coding-DNA position 893, G replaced by T.
Protein change: p.Arg298Leu; replaces arginine 298 with leucine.
Molecular consequence: missense variant. On other transcripts: intron variant (2).
Genome position (GRCh38, 1-based): chr17:42,487,237, G>T. VCF-style: chr17-42487237-G-T. GRCh37 (hg19) VCF-style: chr17-40639255-G-T.
Other names: c.764G>T, p.Arg255Leu (NM_001378538.1, NM_001378540.1); c.914G>T, p.Arg305Leu (NM_001378539.1, NM_001378541.1, NM_001130020.3 and 3 more transcripts); c.893G>T, p.Arg298Leu (NM_001378542.1, NM_001378544.1, NM_001378548.1 and 4 more transcripts); c.734G>T, p.Arg245Leu (NM_001378543.1); c.683G>T, p.Arg228Leu (NM_001378545.1, NM_001378554.1); c.713G>T, p.Arg238Leu (NM_001378549.1); c.785G>T, p.Arg262Leu (NM_001378550.1, NM_001378556.1, NM_001378536.1); c.1016G>T, p.Arg339Leu (NM_001378551.1, NM_001378552.1, NM_001378530.1 and 1 more transcripts); and 2 more; short protein forms R228L, R238L, R245L, R255L, R262L, R298L, R305L, R339L.
Identifiers: ClinVar variation 4681899 (VCV004681899.5).